The following is an entry in ClinVar:

NM_020461.4(TUBGCP6):c.3495_3575del (p.Ala1181_Pro1207del)

Gene: TUBGCP6 (tubulin gamma complex component 6; minus strand). Cytogenetic location: 22q13.33.
Variant type: Deletion.
Coding change: c.3495_3575del on transcript NM_020461.4 (MANE Select); coding-DNA positions 3495 to 3575, 81 bases deleted.
Protein change: p.Ala1181_Pro1207del.
Molecular consequence: inframe deletion.
Genome position (GRCh38, 1-based): chr22:50,220,784-50,220,864, 81 bases deleted. GRCh37 (hg19): chr22:50,659,247-50,659,327.
Identifiers: ClinVar variation 957523 (VCV000957523.7), dbSNP rs1569111394, ClinGen allele CA10307900.

ClinVar aggregate classification (germline): Uncertain significance. Review status: criteria provided, multiple submitters, no conflicts (2 of 4 stars). 2 submissions from 2 submitters: Uncertain significance (2). Last evaluated 2025-09-15.

Submissions (2):

Labcorp Genetics (formerly Invitae), Labcorp
Classification: Uncertain significance. Last evaluated: 2025-09-15. Review status: criteria provided, single submitter. Criteria: Invitae Variant Classification Sherloc (09022015). Collection method: clinical testing. Allele origin: germline.
Comment: This variant, c.3495_3575del, results in the deletion of 27 amino acid(s) of the TUBGCP6 protein (p.Ala1181_Pro1207del), but otherwise preserves the integrity of the reading frame. The frequency data for this variant in the population databases is considered unreliable, as metrics indicate poor data quality at this position in the gnomAD database. This variant has not been reported in the literature in individuals affected with TUBGCP6-related conditions. ClinVar contains an entry for this variant (Variation ID: 957523). Experimental studies and prediction algorithms are not available or were not evaluated, and the functional significance of this variant is currently unknown. In summary, the available evidence is currently insufficient to determine the role of this variant in disease. Therefore, it has been classified as a Variant of Uncertain Significance.

Blueprint Genetics
Classification: Uncertain significance. Last evaluated: 2024-09-05. Review status: criteria provided, single submitter. Criteria: ACMG Guidelines, 2015. Collection method: clinical testing. Allele origin: germline.